The following is an entry in ClinVar:

NM_000487.6(ARSA):c.1516G>T (p.Asp506Tyr)

Gene: ARSA (arylsulfatase A; minus strand). Cytogenetic location: 22q13.33.
Variant type: single nucleotide variant.
Coding change: c.1516G>T on transcript NM_000487.6 (MANE Select); coding-DNA position 1516, G replaced by T.
Protein change: p.Asp506Tyr; replaces aspartic acid 506 with tyrosine.
Molecular consequence: missense variant.
Genome position (GRCh38, 1-based): chr22:50,625,159, C>A on the plus strand (G>T on the coding strand, the complement: ARSA is on the minus strand). VCF-style: chr22-50625159-C-A. GRCh37 (hg19) VCF-style: chr22-51063587-C-A.
Other names: c.1516G>T (NM_000487.5); c.1516G>T, p.Asp506Tyr (NM_001085425.3, NM_001085426.3, NM_001085427.3); c.1258G>T, p.Asp420Tyr (NM_001085428.3, NM_001362782.2); short protein forms D420Y, D506Y.
Identifiers: ClinVar variation 1345728 (VCV001345728.4), dbSNP rs764345345, ClinGen allele CA10324715.

ClinVar aggregate classification (germline): Uncertain significance. Review status: criteria provided, multiple submitters, no conflicts (2 of 4 stars). 2 submissions from 2 submitters: Uncertain significance (2). Last evaluated 2025-07-22.

Conditions:
Metachromatic leukodystrophy (MLD). Also called: Cerebral sclerosis diffuse metachromatic form; CEREBROSIDE SULFATASE DEFICIENCY; METACHROMATIC LEUKOENCEPHALOPATHY; SULFATIDE LIPIDOSIS; Arylsulfatase A Deficiency; ARSA DEFICIENCY. Identifiers: Orphanet 512, MedGen C0023522, MONDO:0018868, OMIM 250100.
ARSA-related disorder. Also called: ARSA-related condition.

Allele frequency attached by ClinVar (database versions not stated): TOPMed below 0.00001; ExAC 0.00004.
gnomAD v4.1: 3 of 1,578,394 alleles (0.00019%); highest among the groups gnomAD compares: Admixed American, 0.0054%; no homozygotes.

Submissions (2):

PreventionGenetics, part of Exact Sciences
Classification: Uncertain significance for ARSA-related condition. Last evaluated: 2025-07-22. Review status: criteria provided, single submitter. Criteria: ACMG Guidelines, 2015. Collection method: clinical testing. Allele origin: germline.
Comment: The ARSA c.1516G>T variant is predicted to result in the amino acid substitution p.Asp506Tyr. To our knowledge, this variant has not been reported in the literature. This variant is reported in 0.010% of alleles in individuals of Latino descent in gnomAD. At this time, the clinical significance of this variant is uncertain due to the absence of conclusive functional and genetic evidence.

Labcorp Genetics (formerly Invitae), Labcorp
Classification: Uncertain significance for Metachromatic leukodystrophy. Last evaluated: 2022-09-01. Review status: criteria provided, single submitter. Criteria: Invitae Variant Classification Sherloc (09022015). Collection method: clinical testing. Allele origin: germline.
Comment: This sequence change replaces aspartic acid, which is acidic and polar, with tyrosine, which is neutral and polar, at codon 506 of the ARSA protein (p.Asp506Tyr). The frequency data for this variant in the population databases is considered unreliable, as metrics indicate poor data quality at this position in the gnomAD database. This variant has not been reported in the literature in individuals affected with ARSA-related conditions. ClinVar contains an entry for this variant (Variation ID: 1345728). Algorithms developed to predict the effect of missense changes on protein structure and function (SIFT, PolyPhen-2, Align-GVGD) all suggest that this variant is likely to be tolerated. In summary, the available evidence is currently insufficient to determine the role of this variant in disease. Therefore, it has been classified as a Variant of Uncertain Significance.